The following is an entry in ClinVar:

NM_015335.5(MED13L):c.6418C>T (p.Gln2140Ter)

Gene: MED13L (mediator complex subunit 13L; minus strand). Cytogenetic location: 12q24.21.
Variant type: single nucleotide variant.
Coding change: c.6418C>T on transcript NM_015335.5 (MANE Select); coding-DNA position 6418, C replaced by T.
Protein change: p.Gln2140Ter; replaces glutamine 2140 with a stop codon.
Molecular consequence: nonsense.
Genome position (GRCh38, 1-based): chr12:115,963,489, G>A on the plus strand (C>T on the coding strand, the complement: MED13L is on the minus strand). VCF-style: chr12-115963489-G-A. GRCh37 (hg19) VCF-style: chr12-116401294-G-A.
Other names: short protein forms Q2140*.
Identifiers: ClinVar variation 452776 (VCV000452776.5), dbSNP rs1555239936, ClinGen allele CA386873803.

ClinVar aggregate classification (germline): Pathogenic. Review status: criteria provided, multiple submitters, no conflicts (2 of 4 stars). 2 submissions from 2 submitters: Pathogenic (2). Last evaluated 2017-10-16.

Conditions:
Inborn genetic diseases. Identifiers: MedGen C0950123, MeSH D030342.

Submissions (2):

GeneDx
Classification: Pathogenic. Last evaluated: 2017-10-16. Review status: criteria provided, single submitter. Criteria: GeneDx Variant Classification (06012015). Collection method: clinical testing. Allele origin: germline. Affected: yes.
Comment: The Q2140X variant in the MED13L gene has not been reported previously as a pathogenic variant nor as a benign variant, to our knowledge. This variant is predicted to cause loss of normal protein function either through protein truncation or nonsense-mediated mRNA decay. The Q2140X variant is not observed in large population cohorts (Lek et al., 2016). We interpret Q2140X as a pathogenic variant.

Ambry Genetics
Classification: Pathogenic for Inborn genetic diseases. Last evaluated: 2017-05-04. Review status: criteria provided, single submitter. Criteria: Ambry exome assertion method (8-5-2015). Collection method: clinical testing. Allele origin: germline. Affected: yes. Observed: 1 variant allele.